The following is an entry in ClinVar:

NM_001384474.1(LOXHD1):c.1072_1073del (p.Leu358fs)

Gene: LOXHD1 (lipoxygenase homology PLAT domains 1; minus strand). Cytogenetic location: 18q21.1.
Variant type: Deletion.
Coding change: c.1072_1073del on transcript NM_001384474.1 (MANE Select); coding-DNA positions 1072 to 1073, 2 bases deleted (CT; older notation c.1072_1073delCT).
Protein change: p.Leu358fs; shifts the reading frame from leucine 358.
Molecular consequence: frameshift variant.
Genome position (GRCh38, 1-based): chr18:46,601,278-46,601,279, AG deleted on the plus strand (CT on the coding strand, the reverse complement: LOXHD1 is on the minus strand). VCF-style (leftmost placement, unchanged base first): chr18-46601277-CAG-C. GRCh37 (hg19) VCF-style: chr18-44181240-CAG-C.
Other names: c.1072_1073delCT (NM_144612.6); c.1072_1073del, p.Leu358fs (NM_144612.7); short protein forms L358fs.
Identifiers: ClinVar variation 933271 (VCV000933271.11), dbSNP rs2038332961, ClinGen allele CA1139666054.

ClinVar aggregate classification (germline): Pathogenic/Likely pathogenic. Review status: criteria provided, multiple submitters, no conflicts (2 of 4 stars). 5 submissions from 5 submitters: Pathogenic (2); Likely pathogenic (3). Last evaluated 2026-08-19.

Conditions:
Autosomal recessive nonsyndromic hearing loss 77. Identifiers: Orphanet 90636, MedGen C2746083, MONDO:0013119, OMIM 613079.
LOXHD1-related disorder. Also called: LOXHD1-related condition.

Submissions (5):

Myriad Genetics, Inc.
Classification: Pathogenic for Autosomal recessive nonsyndromic hearing loss 77. Last evaluated: 2026-08-19. Review status: criteria provided, single submitter. Criteria: Myriad Autosomal Dominant, Autosomal Recessive and X-Linked Classification Criteria (2023). Collection method: clinical testing. Allele origin: unknown.
Comment: NM_144612.6(LOXHD1):c.1072_1073delCT(L358Efs*19) is a frameshift variant classified as pathogenic in the context of nonsyndromic hearing loss, LOXHD1-related. L358Efs*19 has not been observed in cases with relevant disease. Relevant functional assessments of this variant are not available in the literature. L358Efs*19 has not been observed in referenced population frequency databases. In summary, NM_144612.6(LOXHD1):c.1072_1073delCT(L358Efs*19) is a frameshift variant in a gene where loss of function is a known mechanism of disease and is predicted to disrupt protein function. Please note: this variant was assessed in the context of healthy population screening.

Natera, Inc.
Classification: Likely pathogenic for Autosomal recessive deafness type 77. Last evaluated: 2024-12-20. Review status: criteria provided, single submitter. Criteria: Natera Variant Classification Schema (03/2026). Collection method: clinical testing. Allele origin: germline.
Comment: The c.1072_1073delCT variant in LOXHD1 is a frameshift variant predicted to shift the reading frame beginning at codon 358 and leads to a stop codon 19 codons downstream. This variant is expected to result in nonsense mediated decay, truncation, or a dysfunctional protein product. This variant is rare in the general population with a frequency below the threshold expected for the associated phenotype(s). Given the available evidence, this variant is classified as Likely Pathogenic.

Fulgent Genetics
Classification: Likely pathogenic for Autosomal recessive nonsyndromic hearing loss 77. Last evaluated: 2024-02-28. Review status: criteria provided, single submitter. Criteria: ACMG Guidelines, 2015. Collection method: clinical testing. Allele origin: germline.

Labcorp Genetics (formerly Invitae), Labcorp
Classification: Pathogenic. Last evaluated: 2023-11-28. Review status: criteria provided, single submitter. Criteria: Invitae Variant Classification Sherloc (09022015). Collection method: clinical testing. Allele origin: germline.
Comment: This sequence change creates a premature translational stop signal (p.Leu358Glufs*19) in the LOXHD1 gene. It is expected to result in an absent or disrupted protein product. Loss-of-function variants in LOXHD1 are known to be pathogenic (PMID: 19732867, 21465660, 25792669). This variant is not present in population databases (gnomAD no frequency). This variant has not been reported in the literature in individuals affected with LOXHD1-related conditions. ClinVar contains an entry for this variant (Variation ID: 933271). For these reasons, this variant has been classified as Pathogenic.

Blueprint Genetics
Classification: Likely pathogenic for LOXHD1-related disorders. Last evaluated: 2019-04-30. Review status: criteria provided, single submitter. Criteria: ACMG Guidelines, 2015. Collection method: clinical testing. Allele origin: germline. Affected: yes. Observed: 1 variant allele.

Literature cited by the submitters: PubMed 19732867 (cited by Labcorp Genetics (formerly Invitae), Labcorp); PubMed 21465660 (cited by Labcorp Genetics (formerly Invitae), Labcorp); PubMed 25792669 (cited by Labcorp Genetics (formerly Invitae), Labcorp).